The following is an entry in ClinVar:

NM_080632.3(UPF3B):c.364A>T (p.Asn122Tyr)

Gene: UPF3B (UPF3B regulator of nonsense mediated mRNA decay; minus strand). Cytogenetic location: Xq24.
Variant type: single nucleotide variant.
Coding change: c.364A>T on transcript NM_080632.3 (MANE Select); coding-DNA position 364, A replaced by T.
Protein change: p.Asn122Tyr; replaces asparagine 122 with tyrosine.
Molecular consequence: missense variant.
Genome position (GRCh38, 1-based): chrX:119,851,501, T>A on the plus strand (A>T on the coding strand, the complement: UPF3B is on the minus strand). VCF-style: chrX-119851501-T-A. GRCh37 (hg19) VCF-style: chrX-118985464-T-A.
Other names: c.364A>T, p.Asn122Tyr (NM_023010.4); short protein forms N122Y.
Identifiers: ClinVar variation 4710267 (VCV004710267.1).

ClinVar aggregate classification (germline): Uncertain significance (1 of 4 stars; one submission).

Conditions:
Intellectual developmental disorder, X-linked, syndromic 14. Also called: Syndromic X-linked intellectual disability 14. Identifiers: Orphanet 776, MedGen C1970822, MONDO:0010398, OMIM 300676.

Submission:

Labcorp Genetics (formerly Invitae), Labcorp
Classification: Uncertain significance for Intellectual developmental disorder, X-linked, syndromic 14. Last evaluated: 2025-06-15. Review status: criteria provided, single submitter. Criteria: Invitae Variant Classification Sherloc (09022015). Collection method: clinical testing. Allele origin: germline.
Comment: This sequence change replaces asparagine, which is neutral and polar, with tyrosine, which is neutral and polar, at codon 122 of the UPF3B protein (p.Asn122Tyr). This variant is present in population databases (rs778724809, gnomAD 0.001%). This variant has not been reported in the literature in individuals affected with UPF3B-related conditions. Invitae Evidence Modeling of protein sequence and biophysical properties (such as structural, functional, and spatial information, amino acid conservation, physicochemical variation, residue mobility, and thermodynamic stability) has been performed for this missense variant. However, the output from this modeling did not meet the statistical confidence thresholds required to predict the impact of this variant on UPF3B protein function. In summary, the available evidence is currently insufficient to determine the role of this variant in disease. Therefore, it has been classified as a Variant of Uncertain Significance.